The following is an entry in ClinVar:

NM_004562.3(PRKN):c.*2354C>T

Gene: PRKN (parkin RBR E3 ubiquitin protein ligase; minus strand). Cytogenetic location: 6q26.
Variant type: single nucleotide variant.
Coding change: c.*2354C>T on transcript NM_004562.3 (MANE Select); 2354 bases downstream of the stop codon, C replaced by T.
Molecular consequence: 3 prime UTR variant.
Genome position (GRCh38, 1-based): chr6:161,347,745, G>A on the plus strand (C>T on the coding strand, the complement: PRKN is on the minus strand). VCF-style: chr6-161347745-G-A. GRCh37 (hg19) VCF-style: chr6-161768777-G-A.
Other names: c.*2354C>T (NM_013987.3, NM_013988.3).
Identifiers: ClinVar variation 355986 (VCV000355986.5), dbSNP rs191130749, ClinGen allele CA10621732.
Genomic context (GRCh38, chr6:161,347,745, plus strand): 5'-TCGGCTCACTGCAACCTCTGCCCCCCGGGTTCAAGTGATTCTCCTGCCTCAGCCTCCCAG[G>A]AAGCTGGGATTACAGGTGCCTGCCACCACGCCCAGCTAATTTTTGTATTTTTAATAGAGA-3'

ClinVar aggregate classification (germline): Likely benign (1 of 4 stars; one submission).

Conditions:
Autosomal recessive juvenile Parkinson disease 2. Also called: PARKINSON DISEASE, JUVENILE, AUTOSOMAL RECESSIVE; Parkinson disease autosomal recessive, early onset; Juvenile parkinsonism; Parkinsonism, early onset, with diurnal fluctuation; PRKN-Related Early-Onset Parkinson Disease; Parkinson disease, juvenile, type 2. Identifiers: Orphanet 2828, MedGen C1868675, MONDO:0010820, OMIM 600116.

Allele frequency attached by ClinVar (database versions not stated): gnomAD 0.00652 and 0.00685; TOPMed 0.00715; 1000 Genomes Project 0.00739; 1000 Genomes Project 30x 0.00750.

Submission:

Illumina Laboratory Services, Illumina
Classification: Likely benign for Autosomal recessive juvenile Parkinson disease 2. Last evaluated: 2018-01-12. Review status: criteria provided, single submitter. Criteria: ICSL Variant Classification Criteria 13 December 2019. Collection method: clinical testing. Allele origin: germline.
Comment: This variant was observed in the ICSL laboratory as part of a predisposition screen in an ostensibly healthy population. It had not been previously curated by ICSL or reported in the Human Gene Mutation Database (HGMD: prior to June 1st, 2018), and was therefore a candidate for classification through an automated scoring system. Utilizing variant allele frequency, disease prevalence and penetrance estimates, and inheritance mode, an automated score was calculated to assess if this variant is too frequent to cause the disease. Based on the score and internal cut-off values, a variant classified as likely benign is not then subjected to further curation. The score for this variant resulted in a classification of likely benign for this disease.